The following is an entry in ClinVar:

ClinVar aggregate classification (germline): Benign/Likely benign. Review status: criteria provided, multiple submitters, no conflicts (2 of 4 stars). 5 submissions from 5 submitters: Benign (3); Likely benign (2). Last evaluated 2026-07-29.

Conditions:
CASP14-related disorder. Also called: CASP14-related condition.

Allele frequency attached by ClinVar (database versions not stated): 1000 Genomes Project 0.00040; 1000 Genomes Project 30x 0.00078; gnomAD exomes 0.00234 and 0.00399; ExAC 0.00235; TOPMed 0.00247; gnomAD 0.00255 and 0.00269; ESP Exome Variant Server 0.00415.

Submissions (5):

PreventionGenetics, part of Exact Sciences
Classification: Benign for CASP14-related condition. Last evaluated: 2026-07-29. Review status: criteria provided, single submitter. Criteria: ACMG Guidelines, 2015. Collection method: clinical testing. Allele origin: germline.
Comment: This variant is classified as benign based on ACMG/AMP sequence variant interpretation guidelines (Richards et al. 2015 PMID: 25741868, with internal and published modifications).

Blueprint Genetics
Classification: Likely benign. Last evaluated: 2024-11-18. Review status: criteria provided, single submitter. Criteria: ACMG Guidelines, 2015. Collection method: clinical testing. Allele origin: germline.

CeGaT Center for Human Genetics Tuebingen
Classification: Likely benign. Last evaluated: 2023-10-01. Review status: criteria provided, single submitter. Criteria: CeGaT Center For Human Genetics Tuebingen Variant Classification Criteria Version 2. Collection method: clinical testing. Allele origin: germline. Affected: yes. Observed: 2 variant alleles.
Comment: CASP14: BP4, BP7

Labcorp Genetics (formerly Invitae), Labcorp
Classification: Benign. Last evaluated: 2018-03-29. Review status: criteria provided, single submitter. Criteria: Invitae Variant Classification Sherloc (09022015). Collection method: clinical testing. Allele origin: germline.

Breakthrough Genomics
Classification: Benign. Review status: criteria provided, single submitter. Criteria: ACMG Guidelines, 2015. Collection method: not provided. Allele origin: germline. Inheritance: Autosomal recessive inheritance. Affected: yes.

NM_012114.3(CASP14):c.174C>T (p.Ala58=)

Gene: CASP14 (caspase 14; plus strand). Cytogenetic location: 19p13.12.
Variant type: single nucleotide variant.
Coding change: c.174C>T on transcript NM_012114.3 (MANE Select); coding-DNA position 174, C replaced by T.
Protein change: p.Ala58=; no amino-acid change (alanine 58 retained).
Molecular consequence: synonymous variant.
Genome position (GRCh38, 1-based): chr19:15,053,628, C>T. VCF-style: chr19-15053628-C-T. GRCh37 (hg19) VCF-style: chr19-15164439-C-T.
Identifiers: ClinVar variation 770655 (VCV000770655.30), dbSNP rs61755277, ClinGen allele CA9260627.